The following is an entry in ClinVar:

ClinVar aggregate classification (germline): Pathogenic (1 of 4 stars; one submission).

Conditions:
Glycine encephalopathy. Also called: Nonketotic hyperglycinemia; Non-ketotic hyperglycinemia. Identifiers: Orphanet 407, MedGen C0751748, MONDO:0011612, HP:0008288.

Submission:

Labcorp Genetics (formerly Invitae), Labcorp
Classification: Pathogenic for Glycine encephalopathy. Last evaluated: 2022-07-03. Review status: criteria provided, single submitter. Criteria: Invitae Variant Classification Sherloc (09022015). Collection method: clinical testing. Allele origin: germline.
Comment: This variant has not been reported in the literature in individuals affected with GLDC-related conditions. For these reasons, this variant has been classified as Pathogenic. This variant is a gross deletion of the genomic region encompassing exon(s) 21 of the GLDC gene. This deletion is out-of-frame, and is expected to create a premature termination codon and result in an absent or disrupted protein product. Loss-of-function variants in GLDC are known to be pathogenic (PMID: 16601880).

Literature cited by the submitters: PubMed 16601880.

NC_000009.11:g.(?_6549859)_(6553343_?)del

Gene: GLDC (glycine decarboxylase; minus strand). Cytogenetic location: 9p24.1.
Variant type: Deletion.
Identifiers: ClinVar variation 2422513 (VCV002422513.7).